The following is an entry in ClinVar:

NM_031407.7(HUWE1):c.10636+6T>C

Gene: HUWE1 (HECT, UBA and WWE domain containing E3 ubiquitin protein ligase 1; minus strand). Cytogenetic location: Xp11.22.
Variant type: single nucleotide variant.
Coding change: c.10636+6T>C on transcript NM_031407.7 (MANE Select); 6 bases into the intron after coding-DNA position 10636, T replaced by C.
Molecular consequence: intron variant.
Genome position (GRCh38, 1-based): chrX:53,547,667, A>G on the plus strand (T>C on the coding strand, the complement: HUWE1 is on the minus strand). VCF-style: chrX-53547667-A-G. GRCh37 (hg19) VCF-style: chrX-53574628-A-G.
Identifiers: ClinVar variation 3899090 (VCV003899090.1).

ClinVar aggregate classification (germline): Uncertain significance (1 of 4 stars; one submission).

gnomAD v4.1: 1 of 1,210,393 alleles (0.000083%); highest among the groups gnomAD compares: Non-Finnish European, 0.00011%; no homozygotes.

Submission:

GeneDx
Classification: Uncertain significance. Last evaluated: 2024-11-08. Review status: criteria provided, single submitter. Criteria: GeneDx Variant Classification Process June 2021. Collection method: clinical testing. Allele origin: germline. Affected: yes.
Comment: Not observed at significant frequency in large population cohorts (gnomAD); In silico analysis indicates that this variant does not alter splicing; Has not been previously published as pathogenic or benign to our knowledge